The following is an entry in ClinVar:

ClinVar aggregate classification (germline): Benign (1 of 4 stars; one submission).

Allele frequency attached by ClinVar (database versions not stated): 1000 Genomes Project 0.92093; 1000 Genomes Project 30x 0.92380; TOPMed 0.93039; gnomAD 0.93224 and 0.93559.
gnomAD v4.1: 141,939 of 152,222 alleles (93%); highest among the groups gnomAD compares: African/African-American, 94%; 66,207 homozygotes.

Submission:

GeneDx
Classification: Benign. Last evaluated: 2018-06-14. Review status: criteria provided, single submitter. Criteria: GeneDx Variant Classification (06012015). Collection method: clinical testing. Allele origin: germline. Affected: yes.
Comment: This variant is considered likely benign or benign based on one or more of the following criteria: it is a conservative change, it occurs at a poorly conserved position in the protein, it is predicted to be benign by multiple in silico algorithms, and/or has population frequency not consistent with disease.

NM_001377.3(DYNC2H1):c.9108-187G>A

Gene: DYNC2H1 (dynein cytoplasmic 2 heavy chain 1; plus strand). Cytogenetic location: 11q22.3.
Variant type: single nucleotide variant.
Coding change: c.9108-187G>A on transcript NM_001377.3 (MANE Select); 187 bases into the intron before coding-DNA position 9108, G replaced by A.
Molecular consequence: intron variant.
Genome position (GRCh38, 1-based): chr11:103,221,843, G>A. VCF-style: chr11-103221843-G-A. GRCh37 (hg19) VCF-style: chr11-103092572-G-A.
Other names: c.9108-187G>A (NM_001080463.2).
Identifiers: ClinVar variation 667728 (VCV000667728.1), dbSNP rs657938, ClinGen allele CA13556348.